The following is an entry in ClinVar:

NM_000466.3(PEX1):c.2584-20T>A

Gene: PEX1 (peroxisomal biogenesis factor 1; minus strand). Cytogenetic location: 7q21.2.
Variant type: single nucleotide variant.
Coding change: c.2584-20T>A on transcript NM_000466.3 (MANE Select); 20 bases into the intron before coding-DNA position 2584, T replaced by A.
Molecular consequence: intron variant.
Genome position (GRCh38, 1-based): chr7:92,499,858, A>T on the plus strand (T>A on the coding strand, the complement: PEX1 is on the minus strand). VCF-style: chr7-92499858-A-T. GRCh37 (hg19) VCF-style: chr7-92129172-A-T.
Other names: p.?; c.2413-20T>A (NM_001282677.2); c.1960-20T>A (NM_001282678.2).
Identifiers: ClinVar variation 93107 (VCV000093107.24), dbSNP rs111535201, ClinGen allele CA146660.

ClinVar aggregate classification (germline): Benign/Likely benign. Review status: criteria provided, multiple submitters, no conflicts (2 of 4 stars). 8 submissions from 8 submitters: Benign (5); Likely benign (2). 1 of the submissions does not count toward it. Last evaluated 2026-01-19.

Conditions:
Zellweger spectrum disorders (ZS). Also called: Zellweger Spectrum Disorder; Zellweger Spectrum; Zellweger Spectrum Disorder (ZSD); Zellweger syndrome. Identifiers: Orphanet 912, MedGen C0043459, MONDO:0019609.
Peroxisome biogenesis disorder 1A (Zellweger) (PBD1A). Also called: Zellweger leukodystrophy; Peroxisome biogenesis disorder 1a. Identifiers: MedGen C4721541, MONDO:0008953, OMIM 214100.

Allele frequency attached by ClinVar (database versions not stated): gnomAD 0.02687 and 0.02639; gnomAD exomes 0.02717 and 0.03469; ExAC 0.02726; TOPMed 0.02733; 1000 Genomes Project 0.01917; 1000 Genomes Project 30x 0.01936; ESP Exome Variant Server 0.02923.
gnomAD v4.1: 53,085 of 1,566,440 alleles (3.4%); highest among the groups gnomAD compares: Middle Eastern, 5%; 959 homozygotes.

Submissions 1 to 28 of 39:

Labcorp Genetics (formerly Invitae), Labcorp
Classification: Benign for Zellweger spectrum disorders. Last evaluated: 2026-01-19. Review status: criteria provided, single submitter. Criteria: Invitae Variant Classification Sherloc (09022015). Collection method: clinical testing. Allele origin: germline.

Genome-Nilou Lab
Classification: Benign for Peroxisome biogenesis disorder 1A (Zellweger). Last evaluated: 2021-07-01. Review status: criteria provided, single submitter. Criteria: ACMG Guidelines, 2015. Collection method: clinical testing. Allele origin: germline. Affected: no.

Mayo Clinic Laboratories, Mayo Clinic
Classification: Benign. Last evaluated: 2021-06-22. Review status: criteria provided, single submitter. Criteria: ACMG Guidelines, 2015. Collection method: clinical testing. Allele origin: germline. Observed: 31 variant alleles.

GeneDx
Classification: Likely benign. Last evaluated: 2019-08-23. Review status: criteria provided, single submitter. Criteria: GeneDx Variant Classification Process June 2021. Collection method: clinical testing. Allele origin: germline. Affected: yes.

Women's Health and Genetics/Laboratory Corporation of America, LabCorp
Classification: Benign. Last evaluated: 2019-02-07. Review status: criteria provided, single submitter. Criteria: LabCorp Variant Classification Summary - May 2015. Collection method: clinical testing. Allele origin: germline.
Comment: Variant summary: PEX1 c.2584-20T>A alters a non-conserved nucleotide located close to a canonical splice site and therefore could affect mRNA splicing, leading to a significantly altered protein sequence. 5/5 computational tools predict no significant impact on normal splicing. However, these predictions have yet to be confirmed by functional studies. The variant allele was found at a frequency of 0.027 in 271588 control chromosomes in the gnomAD database, including 122 homozygotes. The observed variant frequency is approximately 7-folds higher than the estimated maximal expected allele frequency for a pathogenic variant in PEX1 causing Zellweger Syndrome phenotype (0.0039), strongly suggesting that the variant is benign. To our knowledge, no occurrence of c.2584-20T>A in individuals affected with Zellweger Syndrome and no experimental evidence demonstrating its impact on protein function have been reported. No clinical diagnostic laboratories have submitted clinical-significance assessments for this variant to ClinVar after 2014. Based on the evidence outlined above, the variant was classified as benign.

Eurofins Ntd Llc (ga)
Classification: Benign. Last evaluated: 2013-11-20. Review status: criteria provided, single submitter. Criteria: EGL Classification Definitions 2015. Collection method: clinical testing. Allele origin: germline. Observed: 1 variant allele, 1 homozygote.

Breakthrough Genomics
Classification: Likely benign. Review status: criteria provided, single submitter. Criteria: ACMG Guidelines, 2015. Collection method: not provided. Allele origin: germline. Inheritance: Autosomal recessive inheritance. Affected: yes.

Natera, Inc.
Classification: Benign for Zellweger syndrome. Last evaluated: 2018-04-13. Review status: no assertion criteria provided. Collection method: clinical testing. Allele origin: germline. Not counted in ClinVar's aggregate classification.

Dr. Peter K. Rogan Lab, Western University
No classification provided (evidence only). Condition: Acute myeloid leukemia. Review status: no classification provided. Collection method: in vitro. Allele origin: not applicable. Functional consequence: retained intron. Not counted in ClinVar's aggregate classification.

Dr. Peter K. Rogan Lab, Western University
No classification provided (evidence only). Condition: Acute myeloid leukemia. Review status: no classification provided. Collection method: in vitro. Allele origin: not applicable. Functional consequence: retained intron. Not counted in ClinVar's aggregate classification.

Dr. Peter K. Rogan Lab, Western University
No classification provided (evidence only). Condition: Acute myeloid leukemia. Review status: no classification provided. Collection method: in vitro. Allele origin: not applicable. Functional consequence: retained intron. Not counted in ClinVar's aggregate classification.

Dr. Peter K. Rogan Lab, Western University
No classification provided (evidence only). Condition: Acute myeloid leukemia. Review status: no classification provided. Collection method: in vitro. Allele origin: not applicable. Functional consequence: retained intron. Not counted in ClinVar's aggregate classification.

Dr. Peter K. Rogan Lab, Western University
No classification provided (evidence only). Condition: Acute myeloid leukemia. Review status: no classification provided. Collection method: in vitro. Allele origin: not applicable. Functional consequence: retained intron. Not counted in ClinVar's aggregate classification.

Dr. Peter K. Rogan Lab, Western University
No classification provided (evidence only). Condition: Acute myeloid leukemia. Review status: no classification provided. Collection method: in vitro. Allele origin: not applicable. Functional consequence: retained intron. Not counted in ClinVar's aggregate classification.

Dr. Peter K. Rogan Lab, Western University
No classification provided (evidence only). Condition: Acute myeloid leukemia. Review status: no classification provided. Collection method: in vitro. Allele origin: not applicable. Functional consequence: retained intron. Not counted in ClinVar's aggregate classification.

Dr. Peter K. Rogan Lab, Western University
No classification provided (evidence only). Condition: Acute myeloid leukemia. Review status: no classification provided. Collection method: in vitro. Allele origin: not applicable. Functional consequence: retained intron. Not counted in ClinVar's aggregate classification.

Dr. Peter K. Rogan Lab, Western University
No classification provided (evidence only). Condition: Uterine corpus endometrial carcinoma. Review status: no classification provided. Collection method: in vitro. Allele origin: not applicable. Functional consequence: retained intron. Not counted in ClinVar's aggregate classification.

Dr. Peter K. Rogan Lab, Western University
No classification provided (evidence only). Condition: Uterine corpus endometrial carcinoma. Review status: no classification provided. Collection method: in vitro. Allele origin: not applicable. Functional consequence: retained intron. Not counted in ClinVar's aggregate classification.

Dr. Peter K. Rogan Lab, Western University
No classification provided (evidence only). Condition: Uterine corpus endometrial carcinoma. Review status: no classification provided. Collection method: in vitro. Allele origin: not applicable. Functional consequence: retained intron. Not counted in ClinVar's aggregate classification.

Dr. Peter K. Rogan Lab, Western University
No classification provided (evidence only). Condition: Cervical cancer. Review status: no classification provided. Collection method: in vitro. Allele origin: not applicable. Functional consequence: retained intron. Not counted in ClinVar's aggregate classification.

Dr. Peter K. Rogan Lab, Western University
No classification provided (evidence only). Condition: Cervical cancer. Review status: no classification provided. Collection method: in vitro. Allele origin: not applicable. Functional consequence: retained intron. Not counted in ClinVar's aggregate classification.

Dr. Peter K. Rogan Lab, Western University
No classification provided (evidence only). Condition: Sarcoma. Review status: no classification provided. Collection method: in vitro. Allele origin: not applicable. Functional consequence: retained intron. Not counted in ClinVar's aggregate classification.

Dr. Peter K. Rogan Lab, Western University
No classification provided (evidence only). Condition: Malignant tumor of esophagus. Review status: no classification provided. Collection method: in vitro. Allele origin: not applicable. Functional consequence: retained intron. Not counted in ClinVar's aggregate classification.

Dr. Peter K. Rogan Lab, Western University
No classification provided (evidence only). Condition: Chronic lymphocytic leukemia/small lymphocytic lymphoma. Review status: no classification provided. Collection method: in vitro. Allele origin: not applicable. Functional consequence: retained intron. Not counted in ClinVar's aggregate classification.

Dr. Peter K. Rogan Lab, Western University
No classification provided (evidence only). Condition: Chronic lymphocytic leukemia/small lymphocytic lymphoma. Review status: no classification provided. Collection method: in vitro. Allele origin: not applicable. Functional consequence: retained intron. Not counted in ClinVar's aggregate classification.

Dr. Peter K. Rogan Lab, Western University
No classification provided (evidence only). Condition: Chronic lymphocytic leukemia/small lymphocytic lymphoma. Review status: no classification provided. Collection method: in vitro. Allele origin: not applicable. Functional consequence: retained intron. Not counted in ClinVar's aggregate classification.

Dr. Peter K. Rogan Lab, Western University
No classification provided (evidence only). Condition: Chronic lymphocytic leukemia/small lymphocytic lymphoma. Review status: no classification provided. Collection method: in vitro. Allele origin: not applicable. Functional consequence: retained intron. Not counted in ClinVar's aggregate classification.

Dr. Peter K. Rogan Lab, Western University
No classification provided (evidence only). Condition: Nonpapillary renal cell carcinoma. Review status: no classification provided. Collection method: in vitro. Allele origin: not applicable. Functional consequence: retained intron. Not counted in ClinVar's aggregate classification.